The following is an entry in ClinVar:

NM_001365951.3(KIF1B):c.1629G>A (p.Met543Ile)

Gene: KIF1B (kinesin family member 1B; plus strand). Cytogenetic location: 1p36.22.
Variant type: single nucleotide variant.
Coding change: c.1629G>A on transcript NM_001365951.3 (MANE Select); coding-DNA position 1629, G replaced by A.
Protein change: p.Met543Ile; replaces methionine 543 with isoleucine.
Molecular consequence: missense variant.
Genome position (GRCh38, 1-based): chr1:10,295,124, G>A. VCF-style: chr1-10295124-G-A. GRCh37 (hg19) VCF-style: chr1-10355182-G-A.
Other names: c.1629G>A, p.Met543Ile (NM_001365952.1); c.1491G>A, p.Met497Ile (NM_001365953.1, NM_015074.3, NM_183416.4); short protein forms M543I, M497I.
Identifiers: ClinVar variation 4043146 (VCV004043146.1).

ClinVar aggregate classification (germline): Uncertain significance (1 of 4 stars; one submission).

Submission:

Ambry Genetics
Classification: Uncertain significance. Last evaluated: 2025-05-23. Review status: criteria provided, single submitter. Criteria: Ambry Variant Classification Scheme 2023. Collection method: clinical testing. Allele origin: germline.
Comment: The p.M497I variant (also known as c.1491G>A), located in coding exon 15 of the KIF1B gene, results from a G to A substitution at nucleotide position 1491. The methionine at codon 497 is replaced by isoleucine, an amino acid with highly similar properties. This amino acid position is conserved. In addition, this alteration is predicted to be deleterious by in silico analysis. Based on the available evidence, the clinical significance of this variant remains unclear.